The following is an entry in ClinVar:

ClinVar aggregate classification (germline): Uncertain significance (1 of 4 stars; one submission).

Allele frequency attached by ClinVar (database versions not stated): TOPMed below 0.00001.
gnomAD v4.1: 5 of 1,611,888 alleles (0.00031%); highest among the groups gnomAD compares: South Asian, 0.0011%; no homozygotes.

Submission:

GeneDx
Classification: Uncertain significance. Last evaluated: 2016-12-08. Review status: criteria provided, single submitter. Criteria: GeneDx Variant Classification (06012015). Collection method: clinical testing. Allele origin: germline. Affected: yes.
Comment: The R328H variant in the HERC2 gene has not been reported previously as a pathogenic variant, nor as a benign variant, to our knowledge. The R328H variant was not observed in approximately 6,500 individuals of European and African American ancestry in the NHLBI Exome Sequencing Project, indicating it is not a common benign variant in these populations. The R328H variant is a conservative amino acid substitution, which is not likely to impact secondary protein structure as these residues share similar properties. This substitution occurs at a position that is conserved across species. In silico analysis is inconsistent in its predictions as to whether or not the variant is damaging to the protein structure/function. We interpret R328H as a variant of uncertain significance.

NM_004667.6(HERC2):c.983G>A (p.Arg328His)

Gene: HERC2 (HECT and RLD domain containing E3 ubiquitin protein ligase 2; minus strand). Cytogenetic location: 15q13.1.
Variant type: single nucleotide variant.
Coding change: c.983G>A on transcript NM_004667.6 (MANE Select); coding-DNA position 983, G replaced by A.
Protein change: p.Arg328His; replaces arginine 328 with histidine.
Molecular consequence: missense variant.
Genome position (GRCh38, 1-based): chr15:28,272,315, C>T on the plus strand (G>A on the coding strand, the complement: HERC2 is on the minus strand). VCF-style: chr15-28272315-C-T. GRCh37 (hg19) VCF-style: chr15-28517461-C-T.
Other names: short protein forms R328H.
Identifiers: ClinVar variation 373554 (VCV000373554.1), dbSNP rs751715258, ClinGen allele CA267947338.